The following is an entry in ClinVar:

ClinVar aggregate classification (germline): Uncertain significance (3 of 4 stars; one submission).

Conditions:
Very long chain acyl-CoA dehydrogenase deficiency (ACADVLD). Also called: VLCAD Deficiency; Very Long-Chain Acyl-Coenzyme A Dehydrogenase Deficiency. Identifiers: Orphanet 26793, MedGen C3887523, MONDO:0008723, OMIM 201475.

Submission:

ClinGen ACADVL Variant Curation Expert Panel, ClinGen
Classification: Uncertain significance for Very long chain acyl-CoA dehydrogenase deficiency. Last evaluated: 2023-11-13. Review status: reviewed by expert panel. Criteria: clingen acadvl acmg specifications v1. Collection method: curation. Allele origin: germline. Inheritance: Autosomal recessive inheritance.
Comment: The NM_000018.4(ACADVL): c.877C>T variant in ACADVL is a missense variant predicted to cause substitution of histamine by tyrosine at amino acid 293 (p.His293Tyr). This variant is absent from gnomAD v2.1.1 (PM2_Supporting). This variant has been co-detected with a p.Gly441Asp pathogenic variant in an individual with very long chain acyl CoA dehydrogenase (VLCAD) deficiency with unknown phase confirmation (PM3 point 0.5, PM3_Supporting, PMIDs: 25834949). This patient also displayed reduced enzyme levels (< 20 % of wildtype), which is highly specific for VLCAD deficiency (PP4_Moderate, PMID: 25834949). The computational predictor REVEL gives a score of 0.494, which is neither above nor below the thresholds predicting a damaging or benign impact on ACADVL function. Due to conflicting evidence, this variant is classified as a variant of uncertain significance for autosomal recessive very long chain acyl-CoA dehydrogenase (VLCAD) deficiency based on the ACMG/AMP criteria applied, as specified by the ClinGen ACADVL Variant Curation Expert Panel: PM2_Supporting, PM3_Supporting, PP4_Moderate (ACADVL VCEP specifications version 1; approved November 9, 2021).

NM_000018.4(ACADVL):c.877C>T (p.His293Tyr)

Gene: ACADVL (acyl-CoA dehydrogenase very long chain; plus strand). Cytogenetic location: 17p13.1.
Variant type: single nucleotide variant.
Coding change: c.877C>T on transcript NM_000018.4 (MANE Select); coding-DNA position 877, C replaced by T.
Protein change: p.His293Tyr; replaces histidine 293 with tyrosine.
Molecular consequence: missense variant.
Genome position (GRCh38, 1-based): chr17:7,222,301, C>T. VCF-style: chr17-7222301-C-T. GRCh37 (hg19) VCF-style: chr17-7125620-C-T.
Other names: NM_001270448.2:c.649C>T; c.811C>T, p.His271Tyr (NM_001033859.3); c.946C>T, p.His316Tyr (NM_001270447.2); c.649C>T, p.His217Tyr (NM_001270448.2); short protein forms H217Y, H271Y, H293Y, H316Y.
Identifiers: ClinVar variation 2671897 (VCV002671897.1), dbSNP rs2508306525, ClinGen allele CA397723872.